The following is an entry in ClinVar:

ClinVar aggregate classification (germline): Uncertain significance (1 of 4 stars; one submission).

Conditions:
Primary ciliary dyskinesia. Also called: Ciliary dyskinesia. Identifiers: Orphanet 244, MedGen C0008780, MONDO:0016575, HP:0012265.

Allele frequency attached by ClinVar (database versions not stated): gnomAD exomes below 0.00001.
gnomAD v4.1: 1 of 1,614,128 alleles (0.000062%); highest among the groups gnomAD compares: South Asian, 0.0011%; no homozygotes.

Submission:

Labcorp Genetics (formerly Invitae), Labcorp
Classification: Uncertain significance for Primary ciliary dyskinesia. Last evaluated: 2023-03-06. Review status: criteria provided, single submitter. Criteria: Invitae Variant Classification Sherloc (09022015). Collection method: clinical testing. Allele origin: germline.
Comment: In summary, the available evidence is currently insufficient to determine the role of this variant in disease. Therefore, it has been classified as a Variant of Uncertain Significance. Advanced modeling of protein sequence and biophysical properties (such as structural, functional, and spatial information, amino acid conservation, physicochemical variation, residue mobility, and thermodynamic stability) performed at Invitae indicates that this missense variant is not expected to disrupt DNAH5 protein function. This variant has not been reported in the literature in individuals affected with DNAH5-related conditions. This variant is not present in population databases (gnomAD no frequency). This sequence change replaces phenylalanine, which is neutral and non-polar, with leucine, which is neutral and non-polar, at codon 1851 of the DNAH5 protein (p.Phe1851Leu).

NM_001369.3(DNAH5):c.5553T>G (p.Phe1851Leu)

Gene: DNAH5 (dynein axonemal heavy chain 5; minus strand). Cytogenetic location: 5p15.2.
Variant type: single nucleotide variant.
Coding change: c.5553T>G on transcript NM_001369.3 (MANE Select); coding-DNA position 5553, T replaced by G.
Protein change: p.Phe1851Leu; replaces phenylalanine 1851 with leucine.
Molecular consequence: missense variant.
Genome position (GRCh38, 1-based): chr5:13,841,062, A>C on the plus strand (T>G on the coding strand, the complement: DNAH5 is on the minus strand). VCF-style: chr5-13841062-A-C. GRCh37 (hg19) VCF-style: chr5-13841171-A-C.
Other names: short protein forms F1851L.
Identifiers: ClinVar variation 2793777 (VCV002793777.3), dbSNP rs2546908603, ClinGen allele CA359209921.